The following is an entry in ClinVar:

NM_006831.3(CLP1):c.807C>T (p.Asp269=)

Gene: CLP1 (cleavage factor polyribonucleotide kinase subunit 1; plus strand). Cytogenetic location: 11q12.1.
Variant type: single nucleotide variant.
Coding change: c.807C>T on transcript NM_006831.3 (MANE Select); coding-DNA position 807, C replaced by T.
Protein change: p.Asp269=; no amino-acid change (aspartic acid 269 retained).
Molecular consequence: synonymous variant.
Genome position (GRCh38, 1-based): chr11:57,660,965, C>T. VCF-style: chr11-57660965-C-T. GRCh37 (hg19) VCF-style: chr11-57428437-C-T.
Other names: c.615C>T, p.Asp205= (NM_001142597.2); c.807C>T (NM_006831.2).
Identifiers: ClinVar variation 1593739 (VCV001593739.10), dbSNP rs140965892, ClinGen allele CA6008585.

ClinVar aggregate classification (germline): Likely benign. Review status: criteria provided, single submitter (1 of 4 stars). 2 submissions from 2 submitters: Likely benign (1). 1 of the submissions does not count toward it. Last evaluated 2022-09-01.

Conditions:
CLP1-related disorder. Also called: CLP1-related condition.

Allele frequency attached by ClinVar (database versions not stated): gnomAD exomes 0.00001 and 0.00003; ExAC 0.00005; gnomAD 0.00011; ESP Exome Variant Server 0.00015; 1000 Genomes Project 0.00020; 1000 Genomes Project 30x 0.00031.
gnomAD v4.1: 26 of 1,614,184 alleles (0.0016%); highest among the groups gnomAD compares: African/African-American, 0.033%; no homozygotes.

Submissions (2):

Labcorp Genetics (formerly Invitae), Labcorp
Classification: Likely benign. Last evaluated: 2022-09-01. Review status: criteria provided, single submitter. Criteria: Invitae Variant Classification Sherloc (09022015). Collection method: clinical testing. Allele origin: germline.

PreventionGenetics, part of Exact Sciences
Classification: Likely benign for CLP1-related condition. Last evaluated: 2019-04-11. Review status: no assertion criteria provided. Collection method: clinical testing. Allele origin: germline. Not counted in ClinVar's aggregate classification.
Comment: This variant is classified as likely benign based on ACMG/AMP sequence variant interpretation guidelines (Richards et al. 2015 PMID: 25741868, with internal and published modifications).